The following is an entry in ClinVar:

ClinVar aggregate classification (germline): Uncertain significance. Review status: criteria provided, multiple submitters, no conflicts (2 of 4 stars). 2 submissions from 2 submitters: Uncertain significance (2). Last evaluated 2024-07-24.

Conditions:
Neuropathy, hereditary sensory, type 1F. Also called: Hereditary sensory neuropathy type IF; HSN IF. Identifiers: Orphanet 36386, MedGen C3810194, MONDO:0014286, OMIM 615632.

Submissions (2):

GeneDx
Classification: Uncertain significance. Last evaluated: 2024-07-24. Review status: criteria provided, single submitter. Criteria: GeneDx Variant Classification Process June 2021. Collection method: clinical testing. Allele origin: germline. Affected: yes.
Comment: Not observed at significant frequency in large population cohorts (gnomAD); Has not been previously published as pathogenic or benign to our knowledge; Nonsense variant predicted to result in protein truncation or nonsense mediated decay in a gene for which loss-of-function is not an established mechanism of disease

Labcorp Genetics (formerly Invitae), Labcorp
Classification: Uncertain significance for Neuropathy, hereditary sensory, type 1F. Last evaluated: 2024-04-12. Review status: criteria provided, single submitter. Criteria: Invitae Variant Classification Sherloc (09022015). Collection method: clinical testing. Allele origin: germline.
Comment: This sequence change creates a premature translational stop signal (p.Ser93*) in the ATL3 gene. It is expected to result in an absent or disrupted protein product. However, the current clinical and genetic evidence is not sufficient to establish whether loss-of-function variants in ATL3 cause disease. This variant is not present in population databases (gnomAD no frequency). This variant has not been reported in the literature in individuals affected with ATL3-related conditions. In summary, the available evidence is currently insufficient to determine the role of this variant in disease. Therefore, it has been classified as a Variant of Uncertain Significance.

NM_015459.5(ATL3):c.278C>G (p.Ser93Ter)

Genes: LNCROPM (lncRNA regulator of PLAAT3 mediated phospholipid metabolism; plus strand), ATL3 (atlastin GTPase 3; minus strand). Cytogenetic location: 11q13.1.
Variant type: single nucleotide variant.
Coding change: c.278C>G on transcript NM_015459.5 (MANE Select); coding-DNA position 278, C replaced by G.
Protein change: p.Ser93Ter; replaces serine 93 with a stop codon.
Molecular consequence: nonsense.
Genome position (GRCh38, 1-based): chr11:63,658,888, G>C on the plus strand (C>G on the coding strand, the complement: ATL3 is on the minus strand). VCF-style: chr11-63658888-G-C. GRCh37 (hg19) VCF-style: chr11-63426360-G-C.
Other names: c.224C>G, p.Ser75Ter (NM_001290048.2); short protein forms S75*, S93*.
Identifiers: ClinVar variation 3600960 (VCV003600960.3).
Genomic context (GRCh38, chr11:63,658,888, plus strand): 5'-TCAGATCCCCCTCTCCAGGAAAATCCTGTTAACGGTTCTTCTGGGTCACCCAACCAATTT[G>C]AATGGCCACTTTCCTTCTACAGAAGTAAGAAATTTCTATTAAATCTTAAATTAAAAATTT-3'